The following is an entry in ClinVar:

NM_005027.4(PIK3R2):c.1034G>A (p.Arg345Gln)

Gene: PIK3R2 (phosphoinositide-3-kinase regulatory subunit 2; plus strand). Cytogenetic location: 19p13.11.
Variant type: single nucleotide variant.
Coding change: c.1034G>A on transcript NM_005027.4 (MANE Select); coding-DNA position 1034, G replaced by A.
Protein change: p.Arg345Gln; replaces arginine 345 with glutamine.
Molecular consequence: missense variant. On other transcripts: non-coding transcript variant (2).
Genome position (GRCh38, 1-based): chr19:18,162,431, G>A. VCF-style: chr19-18162431-G-A. GRCh37 (hg19) VCF-style: chr19-18273241-G-A.
Other names: short protein forms R345Q.
Identifiers: ClinVar variation 2057563 (VCV002057563.4), dbSNP rs2147952143, ClinGen allele CA404807754.

ClinVar aggregate classification (germline): Uncertain significance (1 of 4 stars; one submission).

Conditions:
Megalencephaly-polymicrogyria-postaxial polydactyly-hydrocephalus syndrome. Also called: MEG-PMG-MEGACC SYNDROME; MPPH Syndrome. Identifiers: Orphanet 83473, MedGen C1863924, MONDO:0019375.

Allele frequency attached by ClinVar (database versions not stated): gnomAD exomes below 0.00001.

Submission:

Labcorp Genetics (formerly Invitae), Labcorp
Classification: Uncertain significance for Megalencephaly-polymicrogyria-postaxial polydactyly-hydrocephalus syndrome. Last evaluated: 2022-06-10. Review status: criteria provided, single submitter. Criteria: Invitae Variant Classification Sherloc (09022015). Collection method: clinical testing. Allele origin: germline.
Comment: In summary, the available evidence is currently insufficient to determine the role of this variant in disease. Therefore, it has been classified as a Variant of Uncertain Significance. Advanced modeling of protein sequence and biophysical properties (such as structural, functional, and spatial information, amino acid conservation, physicochemical variation, residue mobility, and thermodynamic stability) performed at Invitae indicates that this missense variant is expected to disrupt PIK3R2 protein function. This variant has not been reported in the literature in individuals affected with PIK3R2-related conditions. This variant is not present in population databases (gnomAD no frequency). This sequence change replaces arginine, which is basic and polar, with glutamine, which is neutral and polar, at codon 345 of the PIK3R2 protein (p.Arg345Gln).